The following is an entry in ClinVar:

NM_020921.4(NIN):c.5974G>T (p.Glu1992Ter)

Gene: NIN (ninein; minus strand). Cytogenetic location: 14q22.1.
Variant type: single nucleotide variant.
Coding change: c.5974G>T on transcript NM_020921.4 (MANE Select); coding-DNA position 5974, G replaced by T.
Protein change: p.Glu1992Ter; replaces glutamic acid 1992 with a stop codon.
Molecular consequence: nonsense.
Genome position (GRCh38, 1-based): chr14:50,729,627, C>A on the plus strand (G>T on the coding strand, the complement: NIN is on the minus strand). VCF-style: chr14-50729627-C-A. GRCh37 (hg19) VCF-style: chr14-51196345-C-A.
Other names: c.3835G>T, p.Glu1279Ter (NM_016350.5); c.5974G>T, p.Glu1992Ter (NM_182944.3, NM_182946.2); short protein forms E1279*, E1992*.
Identifiers: ClinVar variation 4085452 (VCV004085452.8).
Genomic context (GRCh38, chr14:50,729,627, plus strand): 5'-GCAGGTGCTGGTTTATCCTTTCTGCCTGCAGCAGCTGGCGTTGAAGCTGCAGAAACTGCT[C>A]CCTGGGCACCATCGGACAGGCTTGCTGCTGGAGCAGCTGCAAATCCCAAGCATGAGGGGA-3'

ClinVar aggregate classification (germline): Uncertain significance (1 of 4 stars; one submission).

Submission:

CeGaT Center for Human Genetics Tuebingen
Classification: Uncertain significance. Last evaluated: 2025-07-01. Review status: criteria provided, single submitter. Criteria: CeGaT Center For Human Genetics Tuebingen Variant Classification Criteria Version 2. Collection method: clinical testing. Allele origin: germline. Affected: yes. Observed: 1 variant allele.
Comment: NIN: PM2